The following is an entry in ClinVar:

ClinVar aggregate classification (germline): Benign/Likely benign. Review status: criteria provided, multiple submitters, no conflicts (2 of 4 stars). 23 submissions from 23 submitters: Benign (16); Likely benign (5). 2 of the submissions do not count toward it. Last evaluated 2026-08-01.

Conditions:
Hereditary nonpolyposis colorectal neoplasms. Identifiers: MedGen C0009405, MeSH D003123.
Breast and/or ovarian cancer. Identifiers: MedGen CN221562.
Hereditary cancer-predisposing syndrome. Also called: Hereditary neoplastic syndrome; Tumor predisposition; Neoplastic Syndromes, Hereditary; Hereditary Cancer Syndrome. Identifiers: Orphanet 140162, MedGen C0027672, MeSH D009386, MONDO:0015356.
Lynch syndrome. Identifiers: Orphanet 144, MedGen C4552100, MONDO:0005835. Disease mechanism: loss of function.
Lynch syndrome 4 (LYNCH4). Also called: Hereditary non-polyposis colorectal cancer, type 4; Colorectal cancer, hereditary nonpolyposis, type 4. Identifiers: Orphanet 144, MedGen C1838333, MONDO:0013699, OMIM 614337. Disease mechanism: loss of function.

Allele frequency attached by ClinVar (database versions not stated): gnomAD exomes 0.00029 and 0.00074; ExAC 0.00096; 1000 Genomes Project 30x 0.00281; 1000 Genomes Project 0.00300; gnomAD 0.00333 and 0.00348; ESP Exome Variant Server 0.00361; TOPMed 0.00369.

Submissions (23):

CeGaT Center for Human Genetics Tuebingen
Classification: Likely benign. Last evaluated: 2026-08-01. Review status: criteria provided, single submitter. Criteria: CeGaT Center For Human Genetics Tuebingen Variant Classification Criteria Version 2. Collection method: clinical testing. Allele origin: germline. Affected: yes. Observed: 3 variant alleles.
Comment: PMS2: BP4, BP7, BS1

Labcorp Genetics (formerly Invitae), Labcorp
Classification: Benign for Hereditary nonpolyposis colorectal neoplasms. Last evaluated: 2026-02-02. Review status: criteria provided, single submitter. Criteria: Invitae Variant Classification Sherloc (09022015). Collection method: clinical testing. Allele origin: germline.

Mayo Clinic Laboratories, Mayo Clinic
Classification: Benign. Last evaluated: 2025-08-22. Review status: criteria provided, single submitter. Criteria: ACMG Guidelines, 2015. Collection method: clinical testing. Allele origin: germline. Observed: 2 variant alleles.
Comment: BA1, BP4, BP7

Spanish MMR Variant Interpretation Working Group
Classification: Benign for Hereditary cancer-predisposing syndrome. Last evaluated: 2025-05-05. Review status: criteria provided, single submitter. Criteria: ClinGen CRC ACMG Specifications PMS2 V1.0.0. Collection method: clinical testing. Allele origin: germline. Affected: yes.
Comment: The PMS2 variant c.1266G>A is a silent variant (p.Glu422=) (BP7). It has a Maximum Credible Allele Frequency (MCAF) above 0.28% in the gnomAD v4.1.0 database (BA1; the allele frequency data may be inaccurate due to possible PMS2CL pseudogene interference). SpliceAI, SSF, MaxEnt, NNSPLICE, and GeneSplicer algorithms suggest no impact on splicing (BP4). There are no other described PAT/LPAT variants located at the same residue. To our current knowledge, no functional assays have been reported for this variant. This variant has not been reported by InSiGHT. Based on the available evidence, this variant is classified as Benign (class 1).

ARUP Laboratories, Molecular Genetics and Genomics, ARUP Laboratories
Classification: Benign. Last evaluated: 2025-03-07. Review status: criteria provided, single submitter. Criteria: ARUP Molecular Germline Variant Investigation Process 2024. Collection method: clinical testing. Allele origin: germline.

Center for Genomic Medicine, Rigshospitalet, Copenhagen University Hospital
Classification: Likely benign. Last evaluated: 2025-03-04. Review status: criteria provided, single submitter. Criteria: ACMG Guidelines, 2015. Collection method: clinical testing. Allele origin: germline.

Myriad Genetics, Inc.
Classification: Benign for Lynch syndrome 4. Last evaluated: 2025-01-30. Review status: criteria provided, single submitter. Criteria: Myriad Autosomal Dominant, Autosomal Recessive and X-Linked Classification Criteria (2023). Collection method: clinical testing. Allele origin: unknown.
Comment: This variant is considered benign. This variant is a silent/synonymous amino acid change and it is not expected to impact splicing.

Blueprint Genetics
Classification: Likely benign. Last evaluated: 2024-11-11. Review status: criteria provided, single submitter. Criteria: ACMG Guidelines, 2015. Collection method: clinical testing. Allele origin: germline.

Department of Pathology and Laboratory Medicine, Sinai Health System
Classification: Benign for Lynch syndrome. Last evaluated: 2024-08-16. Review status: criteria provided, single submitter. Criteria: ACMG Guidelines, 2015. Collection method: clinical testing. Allele origin: germline. Affected: yes.

KCCC/NGS Laboratory, Kuwait Cancer Control Center
Classification: Benign for Lynch syndrome 4. Last evaluated: 2023-07-07. Review status: criteria provided, single submitter. Criteria: ACMG Guidelines, 2015. Collection method: clinical testing. Allele origin: germline. Affected: yes.

CHEO Genetics Diagnostic Laboratory, Children's Hospital of Eastern Ontario
Classification: Benign for Breast and/or ovarian cancer. Last evaluated: 2021-07-02. Review status: criteria provided, single submitter. Criteria: ACMG Guidelines, 2015. Collection method: clinical testing. Allele origin: germline.

Illumina Laboratory Services, Illumina
Classification: Benign for Lynch syndrome 4. Last evaluated: 2018-04-05. Review status: criteria provided, single submitter. Criteria: ICSL Variant Classification Criteria 13 December 2019. Collection method: clinical testing. Allele origin: germline.
Comment: This variant was observed as part of a predisposition screen in an ostensibly healthy population. A literature search was performed for the gene, cDNA change, and amino acid change (where applicable). No publications were found based on this search. Allele frequency data from public databases was too high to be consistent with this variant causing disease. Therefore, this variant is classified as benign.

Genetic Services Laboratory, University of Chicago
Classification: Benign. Last evaluated: 2017-06-23. Review status: criteria provided, single submitter. Criteria: ACMG Guidelines, 2015. Collection method: clinical testing. Allele origin: germline. Affected: no.

Genome Diagnostics Laboratory, University Medical Center Utrecht
Classification: Likely benign for Lynch syndrome 4. Last evaluated: 2017-03-21. Review status: criteria provided, single submitter. Criteria: ACGS Guidelines, 2013. Collection method: clinical testing. Allele origin: germline. Affected: yes. Study: VKGL Data-share Consensus.

Women's Health and Genetics/Laboratory Corporation of America, LabCorp
Classification: Benign. Last evaluated: 2016-02-01. Review status: criteria provided, single submitter. Criteria: LabCorp Variant Classification Summary - May 2015. Collection method: clinical testing. Allele origin: germline.
Comment: Variant summary: The c.1266G>A variant affects a non-conserved nucleotide, resulting in no amino acid change. One in-silico tool predicts damaging outcome for this variant. This variant is found in 116/120402 control chromosomes at a frequency of 0.0009634, which is about 8 times of maximal expected frequency of a pathogenic allele (0.0001136), suggesting this variant is benign. Sequence alignment suggests alleles identified in ExAC controls are unlikely from PMS2 pseudogenes. In addition, two clinical laboratories classified this variant as benign. Taken together, this variant was classified as benign.

Color Diagnostics, LLC DBA Color Health
Classification: Benign for Hereditary cancer-predisposing syndrome. Last evaluated: 2015-09-22. Review status: criteria provided, single submitter. Criteria: ACMG Guidelines, 2015. Collection method: clinical testing. Allele origin: germline.

GeneDx
Classification: Benign. Last evaluated: 2015-03-03. Review status: criteria provided, single submitter. Criteria: GeneDx Variant Classification Process June 2021. Collection method: clinical testing. Allele origin: germline. Affected: yes.

Eurofins Ntd Llc (ga)
Classification: Benign. Last evaluated: 2015-02-18. Review status: criteria provided, single submitter. Criteria: EGL Classification Definitions 2015. Collection method: clinical testing. Allele origin: germline. Observed: 4 variant alleles, 4 heterozygotes.

Ambry Genetics
Classification: Benign for Hereditary cancer-predisposing syndrome. Last evaluated: 2014-11-18. Review status: criteria provided, single submitter. Criteria: Ambry Variant Classification Scheme 2023. Collection method: clinical testing. Allele origin: germline.

Breakthrough Genomics
Classification: Likely benign. Review status: criteria provided, single submitter. Criteria: ACMG Guidelines, 2015. Collection method: not provided. Allele origin: germline. Inheritance: Autosomal recessive inheritance. Affected: yes.

PreventionGenetics, part of Exact Sciences
Classification: Benign. Review status: criteria provided, single submitter. Criteria: ACMG Guidelines, 2015. Collection method: clinical testing. Allele origin: germline.

True Health Diagnostics
Classification: Likely benign for Hereditary cancer-predisposing syndrome. Last evaluated: 2017-09-29. Review status: no assertion criteria provided. Collection method: clinical testing. Allele origin: germline. Not counted in ClinVar's aggregate classification.

Genome Diagnostics Laboratory, Amsterdam University Medical Center
Classification: Benign for Lynch syndrome 4. Last evaluated: 2017-06-05. Review status: no assertion criteria provided. Criteria: ACGS Guidelines, 2013. Collection method: clinical testing. Allele origin: germline. Affected: yes. Study: VKGL Data-share Consensus. Not counted in ClinVar's aggregate classification.

NM_000535.7(PMS2):c.1266G>A (p.Glu422=)

Gene: PMS2 (PMS1 homolog 2, mismatch repair system component; minus strand). Cytogenetic location: 7p22.1.
Variant type: single nucleotide variant.
Coding change: c.1266G>A on transcript NM_000535.7 (MANE Select); coding-DNA position 1266, G replaced by A.
Protein change: p.Glu422=; no amino-acid change (glutamic acid 422 retained).
Molecular consequence: synonymous variant. On other transcripts: non-coding transcript variant (1).
Genome position (GRCh38, 1-based): chr7:5,987,499, C>T on the plus strand (G>A on the coding strand, the complement: PMS2 is on the minus strand). VCF-style: chr7-5987499-C-T. GRCh37 (hg19) VCF-style: chr7-6027130-C-T.
Other names: p.Glu422=; c.861G>A, p.Glu287= (NM_001322003.2, NM_001322004.2, NM_001322005.2 and 1 more transcripts); c.1110G>A, p.Glu370= (NM_001322006.2); c.948G>A, p.Glu316= (NM_001322007.2, NM_001322008.2); c.705G>A, p.Glu235= (NM_001322010.2); c.333G>A, p.Glu111= (NM_001322011.2, NM_001322012.2); c.693G>A, p.Glu231= (NM_001322013.2); c.1266G>A, p.Glu422= (NM_001322014.2); and 1 more.
Identifiers: ClinVar variation 183779 (VCV000183779.62), dbSNP rs138049175, ClinGen allele CA009443.